The following is an entry in ClinVar:

ClinVar aggregate classification (germline): Pathogenic (1 of 4 stars; one submission).

Conditions:
Developmental and epileptic encephalopathy 94 (DEE94). Also called: Epileptic encephalopathy, childhood-onset; CHD2-Related Neurodevelopmental Disorders. Identifiers: Orphanet 1942, Orphanet 2382, MedGen C3809278, MONDO:0014150, OMIM 615369.

Submission:

Labcorp Genetics (formerly Invitae), Labcorp
Classification: Pathogenic for Developmental and epileptic encephalopathy 94. Last evaluated: 2019-11-07. Review status: criteria provided, single submitter. Criteria: Invitae Variant Classification Sherloc (09022015). Collection method: clinical testing. Allele origin: germline.
Comment: This sequence change affects an acceptor splice site in intron 7 of the CHD2 gene. It is expected to disrupt RNA splicing and likely results in an absent or disrupted protein product. This variant is not present in population databases (ExAC no frequency). This variant has been observed in individual(s) with clinical features of childhood-onset epileptic encephalopathy (Invitae). In at least one individual the variant was observed to be de novo. Donor and acceptor splice site variants typically lead to a loss of protein function (PMID: 16199547), and loss-of-function variants in CHD2 are known to be pathogenic (PMID: 23708187, 24207121). For these reasons, this variant has been classified as Pathogenic.

Literature cited by the submitters: PubMed 16199547; PubMed 23708187; PubMed 24207121.

NM_001271.4(CHD2):c.693-2A>G

Gene: CHD2 (chromodomain helicase DNA binding protein 2; plus strand). Cytogenetic location: 15q26.1.
Variant type: single nucleotide variant.
Coding change: c.693-2A>G on transcript NM_001271.4 (MANE Select); the canonical splice acceptor site of the intron before coding-DNA position 693, A replaced by G.
Molecular consequence: splice acceptor variant.
Genome position (GRCh38, 1-based): chr15:92,941,820, A>G. VCF-style: chr15-92941820-A-G. GRCh37 (hg19) VCF-style: chr15-93485050-A-G.
Other names: c.693-2A>G (NM_001042572.3).
Identifiers: ClinVar variation 935425 (VCV000935425.10), dbSNP rs886039708, ClinGen allele CA393900581.